The following is an entry in ClinVar:

ClinVar aggregate classification (germline): Uncertain significance. Review status: criteria provided, multiple submitters, no conflicts (2 of 4 stars). 2 submissions from 2 submitters: Uncertain significance (2). Last evaluated 2025-10-17.

Conditions:
Hypertrophic cardiomyopathy. Also called: HYPERTROPHIC MYOCARDIOPATHY. Identifiers: Orphanet 217569, MedGen C0007194, MeSH D002312, MONDO:0005045, HP:0001639.

Submissions (2):

Labcorp Genetics (formerly Invitae), Labcorp
Classification: Uncertain significance for Hypertrophic cardiomyopathy. Last evaluated: 2025-10-17. Review status: criteria provided, single submitter. Criteria: Invitae Variant Classification Sherloc (09022015). Collection method: clinical testing. Allele origin: germline.
Comment: This sequence change replaces glycine, which is neutral and non-polar, with tryptophan, which is neutral and slightly polar, at codon 507 of the MYBPC3 protein (p.Gly507Trp). This variant is not present in population databases (gnomAD no frequency). This variant has not been reported in the literature in individuals affected with MYBPC3-related conditions. ClinVar contains an entry for this variant (Variation ID: 3074451). An algorithm developed to predict the effect of missense changes on protein structure and function (PolyPhen-2) suggests that this variant is likely to be disruptive. In summary, the available evidence is currently insufficient to determine the role of this variant in disease. Therefore, it has been classified as a Variant of Uncertain Significance.

All of Us Research Program, National Institutes of Health
Classification: Uncertain significance for Hypertrophic cardiomyopathy. Last evaluated: 2023-11-20. Review status: criteria provided, single submitter. Criteria: ACMG Guidelines, 2015. Collection method: clinical testing. Allele origin: germline. Inheritance: Autosomal dominant inheritance. Observed: 1 variant allele, 1 heterozygote.
Comment: This missense variant replaces glycine with tryptophan at codon 507 of the MYBPC3 protein. Computational prediction suggests that this variant may have deleterious impact on protein structure and function (internally defined REVEL score threshold >= 0.7, PMID: 27666373). To our knowledge, functional studies have not been reported for this variant. This variant has not been reported in individuals affected with MYBPC3-related disorders in the literature. This variant has not been identified in the general population by the Genome Aggregation Database (gnomAD). The available evidence is insufficient to determine the role of this variant in disease conclusively. Therefore, this variant is classified as a Variant of Uncertain Significance.

This study involves interpretation of variants in research participants for the purpose of population health screening. Participant phenotype was not available at the time of variant classification. Additional details can be found in publication PMID: 35346344, PMCID: PMC8962531

NM_000256.3(MYBPC3):c.1519G>T (p.Gly507Trp)

Gene: MYBPC3 (myosin binding protein C3; minus strand). Cytogenetic location: 11p11.2.
Variant type: single nucleotide variant.
Coding change: c.1519G>T on transcript NM_000256.3 (MANE Select); coding-DNA position 1519, G replaced by T.
Protein change: p.Gly507Trp; replaces glycine 507 with tryptophan.
Molecular consequence: missense variant.
Genome position (GRCh38, 1-based): chr11:47,342,683, C>A on the plus strand (G>T on the coding strand, the complement: MYBPC3 is on the minus strand). VCF-style: chr11-47342683-C-A. GRCh37 (hg19) VCF-style: chr11-47364234-C-A.
Other names: short protein forms G507W.
Identifiers: ClinVar variation 3074451 (VCV003074451.2), dbSNP rs35736435, ClinGen allele CA380325190.